The following is an entry in ClinVar:

NM_001365951.3(KIF1B):c.2872G>A (p.Asp958Asn)

Genes: KIF1B (kinesin family member 1B; plus strand), LOC126805614 (BRD4-independent group 4 enhancer GRCh37_chr1:10385546-10386745; plus strand). Cytogenetic location: 1p36.22.
Variant type: single nucleotide variant.
Coding change: c.2872G>A on transcript NM_001365951.3 (MANE Select); coding-DNA position 2872, G replaced by A.
Protein change: p.Asp958Asn; replaces aspartic acid 958 with asparagine.
Molecular consequence: missense variant.
Genome position (GRCh38, 1-based): chr1:10,326,307, G>A. VCF-style: chr1-10326307-G-A. GRCh37 (hg19) VCF-style: chr1-10386365-G-A.
Other names: c.2872G>A, p.Asp958Asn (NM_001365952.1); c.2734G>A, p.Asp912Asn (NM_015074.3); short protein forms D912N, D958N.
Identifiers: ClinVar variation 1795321 (VCV001795321.3), dbSNP rs2521641173, ClinGen allele CA338337424.

ClinVar aggregate classification (germline): Uncertain significance (1 of 4 stars; one submission).

Submission:

Ambry Genetics
Classification: Uncertain significance. Last evaluated: 2025-05-25. Review status: criteria provided, single submitter. Criteria: Ambry Variant Classification Scheme 2023. Collection method: clinical testing. Allele origin: germline.
Comment: The p.D912N variant (also known as c.2734G>A), located in coding exon 24 of the KIF1B gene, results from a G to A substitution at nucleotide position 2734. The aspartic acid at codon 912 is replaced by asparagine, an amino acid with highly similar properties. This amino acid position is conserved. In addition, this alteration is predicted to be tolerated by in silico analysis. Since supporting evidence is limited at this time, the clinical significance of this alteration remains unclear.